The following is an entry in ClinVar:

NM_000396.4(CTSK):c.784+1G>A

Gene: CTSK (cathepsin K; minus strand). Cytogenetic location: 1q21.3.
Variant type: single nucleotide variant.
Coding change: c.784+1G>A on transcript NM_000396.4 (MANE Select); the canonical splice donor site of the intron after coding-DNA position 784, G replaced by A.
Molecular consequence: splice donor variant.
Genome position (GRCh38, 1-based): chr1:150,799,543, C>T on the plus strand (G>A on the coding strand, the complement: CTSK is on the minus strand). VCF-style: chr1-150799543-C-T. GRCh37 (hg19) VCF-style: chr1-150772019-C-T.
Identifiers: ClinVar variation 551299 (VCV000551299.10), dbSNP rs1553196934, ClinGen allele CA342335944.

ClinVar aggregate classification (germline): Likely pathogenic. Review status: criteria provided, multiple submitters, no conflicts (2 of 4 stars). 3 submissions from 3 submitters: Likely pathogenic (2). 1 of the submissions does not count toward it. Last evaluated 2023-04-11.

Conditions:
Pyknodysostosis. Also called: Pycnodysostosis. Identifiers: Orphanet 763, MedGen C0238402, MONDO:0009940, OMIM 265800.

Submissions (3):

Genome-Nilou Lab
Classification: Likely pathogenic for Pyknodysostosis. Last evaluated: 2023-04-11. Review status: criteria provided, single submitter. Criteria: ACMG Guidelines, 2015. Collection method: clinical testing. Allele origin: germline. Affected: no.

Labcorp Genetics (formerly Invitae), Labcorp
Classification: Likely pathogenic. Last evaluated: 2018-09-20. Review status: criteria provided, single submitter. Criteria: Invitae Variant Classification Sherloc (09022015). Collection method: clinical testing. Allele origin: germline.
Comment: This variant has not been reported in the literature in individuals with CTSK-related disease. ClinVar contains an entry for this variant (Variation ID: 551299). Algorithms developed to predict the effect of sequence changes on RNA splicing suggest that this variant may disrupt the consensus splice site, but this prediction has not been confirmed by published transcriptional studies. Donor and acceptor splice site variants typically lead to a loss of protein function (PMID: 16199547), and loss-of-function variants in CTSK are known to be pathogenic (PMID: 12125807, 21569238). In summary, the currently available evidence indicates that the variant is pathogenic, but additional data are needed to prove that conclusively. Therefore, this variant has been classified as Likely Pathogenic. This variant is not present in population databases (ExAC no frequency). This sequence change affects a donor splice site in intron 6 of the CTSK gene. It is expected to disrupt RNA splicing and likely results in an absent or disrupted protein product.

Counsyl
Classification: Likely pathogenic for Pyknodysostosis. Last evaluated: 2017-03-29. Review status: no assertion criteria provided. Collection method: clinical testing. Allele origin: unknown. Not counted in ClinVar's aggregate classification.

Literature cited by the submitters: PubMed 16199547 (cited by Labcorp Genetics (formerly Invitae), Labcorp); PubMed 12125807 (cited by Labcorp Genetics (formerly Invitae), Labcorp); PubMed 21569238 (cited by Labcorp Genetics (formerly Invitae), Labcorp).